The following is an entry in ClinVar:

NM_000352.6(ABCC8):c.257T>C (p.Val86Ala)

Gene: ABCC8 (ATP binding cassette subfamily C member 8; minus strand). Cytogenetic location: 11p15.1.
Variant type: single nucleotide variant.
Coding change: c.257T>C on transcript NM_000352.6 (MANE Select); coding-DNA position 257, T replaced by C.
Protein change: p.Val86Ala; replaces valine 86 with alanine.
Molecular consequence: missense variant. On other transcripts: non-coding transcript variant (1).
Genome position (GRCh38, 1-based): chr11:17,474,919, A>G on the plus strand (T>C on the coding strand, the complement: ABCC8 is on the minus strand). VCF-style: chr11-17474919-A-G. GRCh37 (hg19) VCF-style: chr11-17496466-A-G.
Other names: c.257T>C, p.Val86Ala (NM_001287174.3, NM_001351295.2, NM_001351296.2 and 1 more transcripts); short protein forms V86A.
Identifiers: ClinVar variation 21165 (VCV000021165.7), dbSNP rs193929360, ClinGen allele CA341686.
Genomic context (GRCh38, chr11:17,474,919, plus strand): 5'-TTCCTGAGTCCTCAGACAGTCACTCACCCATCAGACAGGATGCCCTCTGCAATCTCACAC[A>G]CCAGGACGAAGAGCAGCATGAAGGTCAGGATCCACCGCAGGTTGTGCCCAGGGAAATGAA-3'
Protein context (NP_000343.2, residues 76-96): ILTFMLLFVL[Val86Ala]CEIAEGILSD

ClinVar aggregate classification (germline): Conflicting classifications of pathogenicity. Review status: criteria provided, conflicting classifications (1 of 4 stars). 3 submissions from 3 submitters: Pathogenic (1); Uncertain significance (1). 1 of the submissions does not count toward it. Last evaluated 2024-07-18.

Conditions:
Permanent neonatal diabetes mellitus (PNDM). Identifiers: Orphanet 99885, MedGen C1833104, MONDO:0100164, MONDO:0011643. Disease mechanism: gain of function.

Submissions (3):

GeneDx
Classification: Pathogenic. Last evaluated: 2024-07-18. Review status: criteria provided, single submitter. Criteria: GeneDx Variant Classification Process June 2021. Collection method: clinical testing. Allele origin: germline. Affected: yes.
Comment: Not observed at significant frequency in large population cohorts (gnomAD); In silico analysis indicates that this missense variant does not alter protein structure/function; This variant is associated with the following publications: (PMID: 17213273, 17668386, 32418263)

Revvity Omics, Revvity
Classification: Uncertain significance. Last evaluated: 2019-06-24. Review status: criteria provided, single submitter. Criteria: ACMG Guidelines, 2015. Collection method: clinical testing. Allele origin: germline.

GeneReviews
No classification provided. Condition: Permanent neonatal diabetes mellitus. Review status: no classification provided. Collection method: literature only. Allele origin: unknown. Not counted in ClinVar's aggregate classification.

Literature cited by the submitters: PubMed 17668386 (cited by GeneReviews); PubMed 20301620 (cited by GeneReviews); NCBI Bookshelf NBK1447 (cited by GeneReviews).